The following is an entry in ClinVar:

ClinVar aggregate classification (germline): Uncertain significance (1 of 4 stars; one submission).

Conditions:
Hereditary cancer-predisposing syndrome. Also called: Hereditary Cancer Syndrome; Tumor predisposition; Neoplastic Syndromes, Hereditary; Hereditary neoplastic syndrome. Identifiers: Orphanet 140162, MedGen C0027672, MeSH D009386, MONDO:0015356.

Submission:

Labcorp Genetics (formerly Invitae), Labcorp
Classification: Uncertain significance for Hereditary cancer-predisposing syndrome. Last evaluated: 2022-04-04. Review status: criteria provided, single submitter. Criteria: Invitae Variant Classification Sherloc (09022015). Collection method: clinical testing. Allele origin: germline.
Comment: This variant is not present in population databases (gnomAD no frequency). This variant has not been reported in the literature in individuals affected with RAD50-related conditions. Algorithms developed to predict the effect of missense changes on protein structure and function output the following: SIFT: "Tolerated"; PolyPhen-2: "Benign"; Align-GVGD: "Class C0". The glycine amino acid residue is found in multiple mammalian species, which suggests that this missense change does not adversely affect protein function. In summary, the available evidence is currently insufficient to determine the role of this variant in disease. Therefore, it has been classified as a Variant of Uncertain Significance. This sequence change replaces serine, which is neutral and polar, with glycine, which is neutral and non-polar, at codon 106 of the RAD50 protein (p.Ser106Gly).

NM_005732.4(RAD50):c.316A>G (p.Ser106Gly)

Gene: RAD50 (RAD50 double strand break repair protein; plus strand). Cytogenetic location: 5q31.1.
Variant type: single nucleotide variant.
Coding change: c.316A>G on transcript NM_005732.4 (MANE Select); coding-DNA position 316, A replaced by G.
Protein change: p.Ser106Gly; replaces serine 106 with glycine.
Molecular consequence: missense variant.
Genome position (GRCh38, 1-based): chr5:132,575,879, A>G. VCF-style: chr5-132575879-A-G. GRCh37 (hg19) VCF-style: chr5-131911571-A-G.
Other names: short protein forms S106G.
Identifiers: ClinVar variation 2121717 (VCV002121717.4), dbSNP rs1164800715, ClinGen allele CA360931115.